The following is an entry in ClinVar:

NM_000836.4(GRIN2D):c.3918_3921del (p.Leu1307fs)

Gene: GRIN2D (glutamate ionotropic receptor NMDA type subunit 2D; plus strand). Cytogenetic location: 19q13.33.
Variant type: Deletion.
Coding change: c.3918_3921del on transcript NM_000836.4 (MANE Select); coding-DNA positions 3918 to 3921, 4 bases deleted (GCTG; older notation c.3918_3921delGCTG).
Protein change: p.Leu1307fs; shifts the reading frame from leucine 1307.
Molecular consequence: frameshift variant.
Genome position (GRCh38, 1-based): chr19:48,443,844-48,443,847, GCTG deleted. VCF-style (leftmost placement, unchanged base first): chr19-48443843-CGCTG-C. GRCh37 (hg19) VCF-style: chr19-48947100-CGCTG-C.
Other names: short protein forms L1307fs.
Identifiers: ClinVar variation 2115367 (VCV002115367.4), dbSNP rs2513694426, ClinGen allele CA2580097468.

ClinVar aggregate classification (germline): Uncertain significance (1 of 4 stars; one submission).

Submission:

Labcorp Genetics (formerly Invitae), Labcorp
Classification: Uncertain significance. Last evaluated: 2022-03-20. Review status: criteria provided, single submitter. Criteria: Invitae Variant Classification Sherloc (09022015). Collection method: clinical testing. Allele origin: germline.
Comment: In summary, the available evidence is currently insufficient to determine the role of this variant in disease. Therefore, it has been classified as a Variant of Uncertain Significance. Experimental studies and prediction algorithms are not available or were not evaluated, and the functional significance of this variant is currently unknown. This variant has not been reported in the literature in individuals affected with GRIN2D-related conditions. This variant is not present in population databases (gnomAD no frequency). This sequence change results in a frameshift in the GRIN2D gene (p.Leu1307Profs*210). While this is not anticipated to result in nonsense mediated decay, it is expected to disrupt the last 30 amino acid(s) of the GRIN2D protein and extend the protein by 179 additional amino acid residues.